The following is an entry in ClinVar:

NM_004360.5(CDH1):c.1805_1806delinsAG (p.Phe602Ter)

Gene: CDH1 (cadherin 1; plus strand). Cytogenetic location: 16q22.1.
Variant type: Indel.
Coding change: c.1805_1806delinsAG on transcript NM_004360.5 (MANE Select); coding-DNA positions 1805 to 1806, TC replaced by AG.
Protein change: p.Phe602Ter; replaces phenylalanine 602 with a stop codon.
Molecular consequence: nonsense. On other transcripts: 5 prime UTR variant (1).
Genome position (GRCh38, 1-based): chr16:68,822,094-68,822,095, TC replaced by AG. VCF-style: chr16-68822094-TC-AG. GRCh37 (hg19) VCF-style: chr16-68855997-TC-AG.
Other names: c.1622_1623delinsAG, p.Phe541Ter (NM_001317184.2); c.257_258delinsAG, p.Phe86Ter (NM_001317185.2); c.-161_-160delinsAG (NM_001317186.2); short protein forms F86*, F541*, F602*.
Identifiers: ClinVar variation 2699148 (VCV002699148.3), dbSNP rs2543942391, ClinGen allele CA2697555905.

ClinVar aggregate classification (germline): Pathogenic (1 of 4 stars; one submission).

Conditions:
Hereditary diffuse gastric adenocarcinoma (HDGC). Also called: DIFFUSE GASTRIC AND LOBULAR BREAST CANCER SYNDROME. Identifiers: Orphanet 26106, MedGen C1708349, MONDO:0007648, OMIM 137215.

Submission:

Labcorp Genetics (formerly Invitae), Labcorp
Classification: Pathogenic for Hereditary diffuse gastric adenocarcinoma. Last evaluated: 2025-04-21. Review status: criteria provided, single submitter. Criteria: Invitae Variant Classification Sherloc (09022015). Collection method: clinical testing. Allele origin: germline.
Comment: This sequence change creates a premature translational stop signal (p.Phe602*) in the CDH1 gene. It is expected to result in an absent or disrupted protein product. Loss-of-function variants in CDH1 are known to be pathogenic (PMID: 15235021, 20373070). Information on the frequency of this variant in the gnomAD database is not available, as this variant may be reported differently in the database. This variant has not been reported in the literature in individuals affected with CDH1-related conditions. ClinVar contains an entry for this variant (Variation ID: 2699148). For these reasons, this variant has been classified as Pathogenic.

Literature cited by the submitters: PubMed 15235021; PubMed 20373070.